The following is an entry in ClinVar:

ClinVar aggregate classification (germline): Uncertain significance (1 of 4 stars; one submission).

Conditions:
Congenital sideroblastic anemia-B-cell immunodeficiency-periodic fever-developmental delay syndrome. Also called: Sideroblastic anemia with B-cell immunodeficiency, periodic fevers, and developmental delay. Identifiers: Orphanet 369861, MedGen C4015172, MONDO:0014487, OMIM 616084.

gnomAD v4.1: 3 of 1,614,078 alleles (0.00019%); highest among the groups gnomAD compares: Non-Finnish European, 0.00025%; no homozygotes.

Submission:

Labcorp Genetics (formerly Invitae), Labcorp
Classification: Uncertain significance for Congenital sideroblastic anemia-B-cell immunodeficiency-periodic fever-developmental delay syndrome. Last evaluated: 2019-04-18. Review status: criteria provided, single submitter. Criteria: Invitae Variant Classification Sherloc (09022015). Collection method: clinical testing. Allele origin: germline.
Comment: This sequence change replaces threonine with serine at codon 130 of the TRNT1 protein (p.Thr130Ser). The threonine residue is weakly conserved and there is a small physicochemical difference between threonine and serine. This variant is not present in population databases (ExAC no frequency). This variant has not been reported in the literature in individuals with TRNT1-related conditions. Algorithms developed to predict the effect of missense changes on protein structure and function (SIFT, PolyPhen-2, Align-GVGD) all suggest that this variant is likely to be tolerated, but these predictions have not been confirmed by published functional studies and their clinical significance is uncertain. Algorithms developed to predict the effect of sequence changes on RNA splicing suggest that this variant may create or strengthen a splice site, but this prediction has not been confirmed by published transcriptional studies. In summary, the available evidence is currently insufficient to determine the role of this variant in disease. Therefore, it has been classified as a Variant of Uncertain Significance.

NM_182916.3(TRNT1):c.389C>G (p.Thr130Ser)

Gene: TRNT1 (tRNA nucleotidyl transferase 1; plus strand). Cytogenetic location: 3p26.2.
Variant type: single nucleotide variant.
Coding change: c.389C>G on transcript NM_182916.3 (MANE Select); coding-DNA position 389, C replaced by G.
Protein change: p.Thr130Ser; replaces threonine 130 with serine.
Molecular consequence: missense variant. On other transcripts: non-coding transcript variant (6).
Genome position (GRCh38, 1-based): chr3:3,140,556, C>G. VCF-style: chr3-3140556-C-G. GRCh37 (hg19) VCF-style: chr3-3182240-C-G.
Other names: c.389C>G, p.Thr130Ser (NM_001302946.2, NM_001367321.1, NM_001367322.1 and 1 more transcripts); short protein forms T130S.
Identifiers: ClinVar variation 852675 (VCV000852675.6), dbSNP rs1705581594, ClinGen allele CA351443891.